The following is an entry in ClinVar:

NM_001042492.3(NF1):c.6959T>G (p.Val2320Gly)

Gene: NF1 (neurofibromin 1; plus strand). Cytogenetic location: 17q11.2.
Variant type: single nucleotide variant.
Coding change: c.6959T>G on transcript NM_001042492.3 (MANE Select); coding-DNA position 6959, T replaced by G.
Protein change: p.Val2320Gly; replaces valine 2320 with glycine.
Molecular consequence: missense variant.
Genome position (GRCh38, 1-based): chr17:31,340,542, T>G. VCF-style: chr17-31340542-T-G. GRCh37 (hg19) VCF-style: chr17-29667560-T-G.
Other names: c.6896T>G, p.Val2299Gly (NM_000267.4); short protein forms V2320G, V2299G.
Identifiers: ClinVar variation 2007394 (VCV002007394.4), dbSNP rs2069791087, ClinGen allele CA399014919.

ClinVar aggregate classification (germline): Uncertain significance (1 of 4 stars; one submission).

Conditions:
Neurofibromatosis, type 1 (NF1). Also called: Neurofibromatosis, type I; Peripheral type neurofibromatosis; VON RECKLINGHAUSEN DISEASE; NEUROFIBROMATOSIS, TYPE I, SOMATIC. Identifiers: Orphanet 636, MedGen C0027831, MONDO:0018975, OMIM 162200. Disease mechanism: loss of function.

Submission:

Labcorp Genetics (formerly Invitae), Labcorp
Classification: Uncertain significance for Neurofibromatosis, type 1. Last evaluated: 2022-06-16. Review status: criteria provided, single submitter. Criteria: Invitae Variant Classification Sherloc (09022015). Collection method: clinical testing. Allele origin: germline.
Comment: This variant is not present in population databases (gnomAD no frequency). In summary, the available evidence is currently insufficient to determine the role of this variant in disease. Therefore, it has been classified as a Variant of Uncertain Significance. Advanced modeling of protein sequence and biophysical properties (such as structural, functional, and spatial information, amino acid conservation, physicochemical variation, residue mobility, and thermodynamic stability) performed at Invitae indicates that this missense variant is not expected to disrupt NF1 protein function. This variant has not been reported in the literature in individuals affected with NF1-related conditions. This sequence change replaces valine, which is neutral and non-polar, with glycine, which is neutral and non-polar, at codon 2299 of the NF1 protein (p.Val2299Gly).